The following is an entry in ClinVar:

ClinVar aggregate classification (germline): Likely benign (0 of 4 stars; one submission).

Conditions:
PLXNA1-related disorder. Also called: PLXNA1-related condition.

Allele frequency attached by ClinVar (database versions not stated): gnomAD 0.00032; ESP Exome Variant Server 0.00046.

Submission:

PreventionGenetics, part of Exact Sciences
Classification: Likely benign for PLXNA1-related condition. Last evaluated: 2021-11-15. Review status: no assertion criteria provided. Collection method: clinical testing. Allele origin: germline.
Comment: This variant is classified as likely benign based on ACMG/AMP sequence variant interpretation guidelines (Richards et al. 2015 PMID: 25741868, with internal and published modifications).

NM_032242.4(PLXNA1):c.1378-4G>A

Gene: PLXNA1 (plexin A1; plus strand). Cytogenetic location: 3q21.3.
Variant type: single nucleotide variant.
Coding change: c.1378-4G>A on transcript NM_032242.4 (MANE Select); 4 bases into the intron before coding-DNA position 1378, G replaced by A.
Molecular consequence: intron variant.
Genome position (GRCh38, 1-based): chr3:127,003,326, G>A. VCF-style: chr3-127003326-G-A. GRCh37 (hg19) VCF-style: chr3-126722169-G-A.
Identifiers: ClinVar variation 3051000 (VCV003051000.2), dbSNP rs368875040, ClinGen allele CA2593229.